The following is an entry in ClinVar:

ClinVar aggregate classification (germline): Uncertain significance. Review status: criteria provided, multiple submitters, no conflicts (2 of 4 stars). 2 submissions from 2 submitters: Uncertain significance (2). Last evaluated 2025-10-21.

Conditions:
Inborn genetic diseases. Identifiers: MedGen C0950123, MeSH D030342.

Allele frequency attached by ClinVar (database versions not stated): TOPMed 0.00001.
gnomAD v4.1: 11 of 1,613,940 alleles (0.00068%); highest among the groups gnomAD compares: African/African-American, 0.0013%; no homozygotes.

Submissions (2):

Labcorp Genetics (formerly Invitae), Labcorp
Classification: Uncertain significance. Last evaluated: 2025-10-21. Review status: criteria provided, single submitter. Criteria: Invitae Variant Classification Sherloc (09022015). Collection method: clinical testing. Allele origin: germline.
Comment: This sequence change replaces glutamic acid, which is acidic and polar, with lysine, which is basic and polar, at codon 467 of the FN1 protein (p.Glu467Lys). This variant is present in population databases (no rsID available, gnomAD 0.002%). This variant has not been reported in the literature in individuals affected with FN1-related conditions. ClinVar contains an entry for this variant (Variation ID: 3095939). An algorithm developed to predict the effect of missense changes on protein structure and function (PolyPhen-2) suggests that this variant is likely to be disruptive. In summary, the available evidence is currently insufficient to determine the role of this variant in disease. Therefore, it has been classified as a Variant of Uncertain Significance.

Ambry Genetics
Classification: Uncertain significance for Inborn genetic diseases. Last evaluated: 2023-12-14. Review status: criteria provided, single submitter. Criteria: Ambry Variant Classification Scheme 2023. Collection method: clinical testing. Allele origin: germline.

NM_212482.4(FN1):c.1399G>A (p.Glu467Lys)

Gene: FN1 (fibronectin 1; minus strand). Cytogenetic location: 2q35.
Variant type: single nucleotide variant.
Coding change: c.1399G>A on transcript NM_212482.4 (MANE Select); coding-DNA position 1399, G replaced by A.
Protein change: p.Glu467Lys; replaces glutamic acid 467 with lysine.
Molecular consequence: missense variant.
Genome position (GRCh38, 1-based): chr2:215,422,238, C>T on the plus strand (G>A on the coding strand, the complement: FN1 is on the minus strand). VCF-style: chr2-215422238-C-T. GRCh37 (hg19) VCF-style: chr2-216286961-C-T.
Other names: c.1399G>A, p.Glu467Lys (NM_001306129.2, NM_001306130.2, NM_001306131.2 and 14 more transcripts); short protein forms E467K.
Identifiers: ClinVar variation 3095939 (VCV003095939.2), dbSNP rs1264970850, ClinGen allele CA350469556.
Genomic context (GRCh38, chr2:215,422,238, plus strand): 5'-GCTTATCCCACTGATCTCCAATGCGGTACATGACCCCTTCATTGGTTGTGCAGATTTCCT[C>T]GTGGGCTGTTTGGAAATGGATAAGAAATGCACTTGATAAATGATCACCAGGTCTAAACAT-3'
Protein context (NP_997647.2, residues 457-477): KFGFCPMAAH[Glu467Lys]EICTTNEGVM